The following is an entry in ClinVar:

ClinVar aggregate classification (germline): Conflicting classifications of pathogenicity. Review status: criteria provided, conflicting classifications (1 of 4 stars). 3 submissions from 3 submitters: Likely pathogenic (1); Uncertain significance (2). Last evaluated 2024-06-24.

Conditions:
Autosomal recessive nonsyndromic hearing loss 77. Identifiers: Orphanet 90636, MedGen C2746083, MONDO:0013119, OMIM 613079.

Allele frequency attached by ClinVar (database versions not stated): ExAC 0.00004.
gnomAD v4.1: 13 of 1,551,522 alleles (0.00084%); highest among the groups gnomAD compares: Non-Finnish European, 0.00096%; no homozygotes.

Submissions (3):

Fulgent Genetics
Classification: Likely pathogenic for Autosomal recessive nonsyndromic hearing loss 77. Last evaluated: 2024-06-24. Review status: criteria provided, single submitter. Criteria: ACMG Guidelines, 2015. Collection method: clinical testing. Allele origin: germline.

Women's Health and Genetics/Laboratory Corporation of America, LabCorp
Classification: Uncertain significance. Last evaluated: 2024-06-20. Review status: criteria provided, single submitter. Criteria: LabCorp Variant Classification Summary - May 2015. Collection method: clinical testing. Allele origin: germline.
Comment: Variant summary: LOXHD1 c.4129C>T (p.Arg1377Trp) results in a non-conservative amino acid change in the encoded protein sequence. Five of five in-silico tools predict a damaging effect of the variant on protein function. The variant allele was found at a frequency of 8.4e-06 in 1551522 control chromosomes. This frequency is not significantly higher than estimated for a pathogenic variant in LOXHD1 causing Nonsyndromic Hearing Loss And Deafness, Type 77 (8.4e-06 vs 0.0011), allowing no conclusion about variant significance. c.4129C>T has been reported in the literature in at least two compound heterozygous individuals affected with Nonsyndromic Hearing Loss And Deafness, Type 77 (e.g., Liu_2020). These data indicate that the variant may be associated with disease. To our knowledge, no experimental evidence demonstrating an impact on protein function has been reported. The following publication has been ascertained in the context of this evaluation (PMID: 32645618). ClinVar contains an entry for this variant (Variation ID: 1961471). Based on the evidence outlined above, the variant was classified as VUS-possibly pathogenic.

Labcorp Genetics (formerly Invitae), Labcorp
Classification: Uncertain significance. Last evaluated: 2021-11-11. Review status: criteria provided, single submitter. Criteria: Invitae Variant Classification Sherloc (09022015). Collection method: clinical testing. Allele origin: germline.
Comment: This sequence change replaces arginine, which is basic and polar, with tryptophan, which is neutral and slightly polar, at codon 1377 of the LOXHD1 protein (p.Arg1377Trp). This variant is not present in population databases (gnomAD no frequency). This variant has not been reported in the literature in individuals affected with LOXHD1-related conditions. Algorithms developed to predict the effect of missense changes on protein structure and function (SIFT, PolyPhen-2, Align-GVGD) all suggest that this variant is likely to be disruptive. In summary, the available evidence is currently insufficient to determine the role of this variant in disease. Therefore, it has been classified as a Variant of Uncertain Significance.

Literature cited by the submitters: PubMed 32645618 (cited by Women's Health and Genetics/Laboratory Corporation of America, LabCorp).

NM_001384474.1(LOXHD1):c.4129C>T (p.Arg1377Trp)

Gene: LOXHD1 (lipoxygenase homology PLAT domains 1; minus strand). Cytogenetic location: 18q21.1.
Variant type: single nucleotide variant.
Coding change: c.4129C>T on transcript NM_001384474.1 (MANE Select); coding-DNA position 4129, C replaced by T.
Protein change: p.Arg1377Trp; replaces arginine 1377 with tryptophan.
Molecular consequence: missense variant.
Genome position (GRCh38, 1-based): chr18:46,534,418, G>A on the plus strand (C>T on the coding strand, the complement: LOXHD1 is on the minus strand). VCF-style: chr18-46534418-G-A. GRCh37 (hg19) VCF-style: chr18-44114381-G-A.
Other names: c.4129C>T, p.Arg1377Trp (NM_144612.7); c.796C>T, p.Arg266Trp (NM_001145472.3); c.508C>T, p.Arg170Trp (NM_001308013.2); c.4129C>T (NM_144612.6); short protein forms R170W, R1377W, R266W.
Identifiers: ClinVar variation 1961471 (VCV001961471.4), dbSNP rs746252931, ClinGen allele CA8952384.
Genomic context (GRCh38, chr18:46,534,418, plus strand): 5'-GGATGTCCACGTGAGAGCAGTGCCACCCAGGATTCATGCCCGTGTTATTATGGCCAATCC[G>A]AATTTTTTCAATGATTTCTCCCACATCTTCTAACTTTGGAAAGGAGATAAGGCACTGAAT-3'
Protein context (NP_001371403.1, residues 1367-1387): EDVGEIIEKI[Arg1377Trp]IGHNNTGMNP